The following is an entry in ClinVar:

NM_000875.5(IGF1R):c.2710C>T (p.Arg904Trp)

Gene: IGF1R (insulin like growth factor 1 receptor; plus strand). Cytogenetic location: 15q26.3.
Variant type: single nucleotide variant.
Coding change: c.2710C>T on transcript NM_000875.5 (MANE Select); coding-DNA position 2710, C replaced by T.
Protein change: p.Arg904Trp; replaces arginine 904 with tryptophan.
Molecular consequence: missense variant.
Genome position (GRCh38, 1-based): chr15:98,924,612, C>T. VCF-style: chr15-98924612-C-T. GRCh37 (hg19) VCF-style: chr15-99467841-C-T.
Other names: c.2710C>T, p.Arg904Trp (NM_001291858.2); short protein forms R904W.
Identifiers: ClinVar variation 2779446 (VCV002779446.3), dbSNP rs773153471, ClinGen allele CA7752481.

ClinVar aggregate classification (germline): Uncertain significance (1 of 4 stars; one submission).

Allele frequency attached by ClinVar (database versions not stated): ExAC 0.00001; TOPMed 0.00001.
gnomAD v4.1: 12 of 1,614,148 alleles (0.00074%); highest among the groups gnomAD compares: African/African-American, 0.0027%; no homozygotes.

Submission:

Labcorp Genetics (formerly Invitae), Labcorp
Classification: Uncertain significance. Last evaluated: 2024-01-08. Review status: criteria provided, single submitter. Criteria: Invitae Variant Classification Sherloc (09022015). Collection method: clinical testing. Allele origin: germline.
Comment: This sequence change replaces arginine, which is basic and polar, with tryptophan, which is neutral and slightly polar, at codon 904 of the IGF1R protein (p.Arg904Trp). This variant is present in population databases (rs773153471, gnomAD 0.0009%). This variant has not been reported in the literature in individuals affected with IGF1R-related conditions. Advanced modeling of protein sequence and biophysical properties (such as structural, functional, and spatial information, amino acid conservation, physicochemical variation, residue mobility, and thermodynamic stability) performed at Invitae indicates that this missense variant is not expected to disrupt IGF1R protein function with a negative predictive value of 80%. In summary, the available evidence is currently insufficient to determine the role of this variant in disease. Therefore, it has been classified as a Variant of Uncertain Significance.